The following is an entry in ClinVar:

ClinVar aggregate classification (germline): Pathogenic (1 of 4 stars; one submission).

Conditions:
Myoclonic dystonia 11 (DYT11). Also called: DYT-SGCE; Myoclonic dystonia; Dystonia 11; Dystonia, alcohol responsive; Hereditary essential myoclonus; SGCE Myoclonus-Dystonia. Identifiers: Orphanet 36899, MedGen C1834570, MONDO:0008044, OMIM 159900.

Submission:

Labcorp Genetics (formerly Invitae), Labcorp
Classification: Pathogenic for Myoclonic dystonia 11. Last evaluated: 2021-01-15. Review status: criteria provided, single submitter. Criteria: Invitae Variant Classification Sherloc (09022015). Collection method: clinical testing. Allele origin: germline.
Comment: This sequence change creates a premature translational stop signal (p.Gly208Alafs*2) in the SGCE gene. It is expected to result in an absent or disrupted protein product. This variant is not present in population databases (ExAC no frequency). This variant has not been reported in the literature in individuals with SGCE-related conditions. Loss-of-function variants in SGCE are known to be pathogenic (PMID: 12821748, 15389977, 17853490, 24297365). For these reasons, this variant has been classified as Pathogenic.

Literature cited by the submitters: PubMed 12821748; PubMed 15389977; PubMed 17853490; PubMed 24297365.

NM_003919.3(SGCE):c.623_650del (p.Gly208fs)

Genes: CASD1 (CAS1 domain sialic acid O acetyltransferase 1; plus strand), SGCE (sarcoglycan epsilon; minus strand). Cytogenetic location: 7q21.3.
Variant type: Deletion.
Coding change: c.623_650del on transcript NM_003919.3 (MANE Select); coding-DNA positions 623 to 650, 28 bases deleted (GTGGCAGGGTGCCACTTCCCATTAATGA).
Protein change: p.Gly208fs; shifts the reading frame from glycine 208.
Molecular consequence: frameshift variant.
Genome position (GRCh38, 1-based): chr7:94,618,770-94,618,797, TCATTAATGGGAAGTGGCACCCTGCCAC deleted on the plus strand (GTGGCAGGGTGCCACTTCCCATTAATGA on the coding strand, the reverse complement: SGCE is on the minus strand). VCF-style (leftmost placement, unchanged base first): chr7-94618769-GTCATTAATGGGAAGTGGCACCCTGCCAC-G. GRCh37 (hg19) VCF-style: chr7-94248081-GTCATTAATGGGAAGTGGCACCCTGCCAC-G.
Other names: c.623_650del, p.Gly208fs (NM_001099400.2, NM_001099401.2, NM_001346717.2); c.500_527del, p.Gly167fs (NM_001301139.2, NM_001362809.2); c.731_758del, p.Gly244fs (NM_001346713.2, NM_001346715.2); c.536_563del, p.Gly179fs (NM_001346719.2, NM_001362807.2); c.350_377del, p.Gly117fs (NM_001346720.2, NM_001362808.2); short protein forms G117fs, G167fs, G179fs, G208fs, G244fs.
Identifiers: ClinVar variation 1070683 (VCV001070683.9), dbSNP rs2116880618, ClinGen allele CA2499219069.